The following is an entry in ClinVar:

NM_017636.4(TRPM4):c.2148G>T (p.Glu716Asp)

Gene: TRPM4 (transient receptor potential cation channel subfamily M member 4; plus strand). Cytogenetic location: 19q13.33.
Variant type: single nucleotide variant.
Coding change: c.2148G>T on transcript NM_017636.4 (MANE Select); coding-DNA position 2148, G replaced by T.
Protein change: p.Glu716Asp; replaces glutamic acid 716 with aspartic acid.
Molecular consequence: missense variant.
Genome position (GRCh38, 1-based): chr19:49,190,711, G>T. VCF-style: chr19-49190711-G-T. GRCh37 (hg19) VCF-style: chr19-49693968-G-T.
Other names: c.2148G>T, p.Glu716Asp (NM_001195227.2); c.1803G>T, p.Glu601Asp (NM_001321281.2); c.540G>T, p.Glu180Asp (NM_001321282.2); c.1626G>T, p.Glu542Asp (NM_001321283.2); c.1086G>T, p.Glu362Asp (NM_001321285.2); short protein forms E716D, E180D, E542D, E362D, E601D.
Identifiers: ClinVar variation 1786680 (VCV001786680.8), dbSNP rs990586099, ClinGen allele CA309450336.

ClinVar aggregate classification (germline): Uncertain significance. Review status: criteria provided, multiple submitters, no conflicts (2 of 4 stars). 2 submissions from 2 submitters: Uncertain significance (2). Last evaluated 2025-11-18.

Conditions:
Cardiovascular phenotype. Identifiers: MedGen CN230736.
Progressive familial heart block type IB (PFHB1B). Identifiers: Orphanet 871, MedGen C1970298, MONDO:0011474, OMIM 604559.

Allele frequency attached by ClinVar (database versions not stated): gnomAD exomes below 0.00001; TOPMed 0.00001; gnomAD 0.00002.
gnomAD v4.1: 6 of 1,614,058 alleles (0.00037%); highest among the groups gnomAD compares: African/African-American, 0.008%; no homozygotes.

Submissions (2):

Labcorp Genetics (formerly Invitae), Labcorp
Classification: Uncertain significance for Progressive familial heart block type IB. Last evaluated: 2025-11-18. Review status: criteria provided, single submitter. Criteria: Invitae Variant Classification Sherloc (09022015). Collection method: clinical testing. Allele origin: germline.
Comment: This sequence change replaces glutamic acid, which is acidic and polar, with aspartic acid, which is acidic and polar, at codon 716 of the TRPM4 protein (p.Glu716Asp). This variant is present in population databases (no rsID available, gnomAD 0.01%). This variant has not been reported in the literature in individuals affected with TRPM4-related conditions. ClinVar contains an entry for this variant (Variation ID: 1786680). An algorithm developed to predict the effect of missense changes on protein structure and function outputs the following: PolyPhen-2: "Benign". The aspartic acid amino acid residue is found in multiple mammalian species, which suggests that this missense change does not adversely affect protein function. In summary, the available evidence is currently insufficient to determine the role of this variant in disease. Therefore, it has been classified as a Variant of Uncertain Significance.

Ambry Genetics
Classification: Uncertain significance for Cardiovascular phenotype. Last evaluated: 2025-06-09. Review status: criteria provided, single submitter. Criteria: Ambry Variant Classification Scheme 2023. Collection method: clinical testing. Allele origin: germline.